The following is an entry in ClinVar:

NM_003482.4(KMT2D):c.12830_12855del (p.Leu4277fs)

Gene: KMT2D (lysine methyltransferase 2D; minus strand). Cytogenetic location: 12q13.12.
Variant type: Deletion.
Coding change: c.12830_12855del on transcript NM_003482.4 (MANE Select); coding-DNA positions 12830 to 12855, 26 bases deleted (TAGGGGCAGGGCCTCGACCTCAGGGC).
Protein change: p.Leu4277fs; shifts the reading frame from leucine 4277.
Molecular consequence: frameshift variant.
Genome position (GRCh38, 1-based): chr12:49,031,850-49,031,875, GCCCTGAGGTCGAGGCCCTGCCCCTA deleted on the plus strand (TAGGGGCAGGGCCTCGACCTCAGGGC on the coding strand, the reverse complement: KMT2D is on the minus strand); deleting any 26 consecutive bases within chr12:49,031,850-49,031,877 gives the same sequence; the c. name uses the placement nearest the transcript's 3' end. VCF-style (leftmost placement, unchanged base first): chr12-49031849-GGCCCTGAGGTCGAGGCCCTGCCCCTA-G. GRCh37 (hg19) VCF-style: chr12-49425632-GGCCCTGAGGTCGAGGCCCTGCCCCTA-G.
Other names: c.12830_12855del26 (NM_003482.3); short protein forms L4277fs.
Identifiers: ClinVar variation 5023392 (VCV005023392.1).

ClinVar aggregate classification (germline): Pathogenic (1 of 4 stars; one submission).

Conditions:
Inborn genetic diseases. Identifiers: MedGen C0950123, MeSH D030342.

Submission:

Ambry Genetics
Classification: Pathogenic for Inborn genetic diseases. Last evaluated: 2026-09-02. Review status: criteria provided, single submitter. Criteria: Ambry Variant Classification Scheme 2023. Collection method: clinical testing. Allele origin: germline.
Comment: The c.12830_12855del26 (p.L4277Pfs*48) alteration, located in exon 39 (coding exon 39) of the KMT2D gene, consists of a deletion of 26 nucleotides from position 12830 to 12855, causing a translational frameshift with a predicted alternate stop codon after 48 amino acids. This variant is expected to result in loss of function by premature protein truncation or nonsense-mediated mRNA decay. for KMT2D-related Kabuki syndrome; however, its clinical significance for KMT2D-related multiple congenital anomalies disorder is uncertain. This variant was not reported in population-based cohorts in the Genome Aggregation Database (gnomAD). Based on the available evidence, this alteration is classified as pathogenic.